The following is an entry in ClinVar:

ClinVar aggregate classification (germline): Uncertain significance (0 of 4 stars; one submission).

Conditions:
Fanconi anemia complementation group A (FANCA). Also called: Fanconi anemia, group A; FANCA-Related Fanconi Anemia. Identifiers: Orphanet 84, MedGen C3469521, MONDO:0009215, OMIM 227650.

Submission:

Leiden Open Variation Database
Classification: Uncertain significance for Fanconi anemia complementation group A. Last evaluated: 2020-02-28. Review status: no assertion criteria provided. Collection method: curation. Allele origin: germline. Affected: yes.
Comment: Curator: Arleen D. Auerbach. Submitter to LOVD: Arleen D. Auerbach.

NM_000135.4(FANCA):c.827-2A>G

Gene: FANCA (FA complementation group A; minus strand). Cytogenetic location: 16q24.3.
Variant type: single nucleotide variant.
Coding change: c.827-2A>G on transcript NM_000135.4 (MANE Select); the canonical splice acceptor site of the intron before coding-DNA position 827, A replaced by G.
Molecular consequence: splice acceptor variant.
Genome position (GRCh38, 1-based): chr16:89,799,234, T>C on the plus strand (A>G on the coding strand, the complement: FANCA is on the minus strand). VCF-style: chr16-89799234-T-C. GRCh37 (hg19) VCF-style: chr16-89865642-T-C.
Other names: c.827-2A>G (NM_001286167.3, NM_001018112.3); c.731-2A>G (NM_001351830.2).
Identifiers: ClinVar variation 974108 (VCV000974108.1), dbSNP rs2040355782, ClinGen allele CA397473220.